The following is an entry in ClinVar:

ClinVar aggregate classification (germline): Uncertain significance (1 of 4 stars; one submission).

gnomAD v4.1: 1 of 1,602,162 alleles (0.000062%); highest among the groups gnomAD compares: Non-Finnish European, 0.000085%; no homozygotes.

Submission:

Ambry Genetics
Classification: Uncertain significance. Last evaluated: 2025-07-09. Review status: criteria provided, single submitter. Criteria: Ambry Variant Classification Scheme 2023. Collection method: clinical testing. Allele origin: germline.
Comment: The p.S151G variant (also known as c.451A>G), located in coding exon 2 of the MYLK2 gene, results from an A to G substitution at nucleotide position 451. The serine at codon 151 is replaced by glycine, an amino acid with similar properties. This amino acid position is conserved. In addition, this alteration is predicted to be tolerated by in silico analysis. Based on the available evidence, the clinical significance of this variant remains unclear.

NM_033118.4(MYLK2):c.451A>G (p.Ser151Gly)

Gene: MYLK2 (myosin light chain kinase 2; plus strand). Cytogenetic location: 20q11.21.
Variant type: single nucleotide variant.
Coding change: c.451A>G on transcript NM_033118.4 (MANE Select); coding-DNA position 451, A replaced by G.
Protein change: p.Ser151Gly; replaces serine 151 with glycine.
Molecular consequence: missense variant.
Genome position (GRCh38, 1-based): chr20:31,820,524, A>G. VCF-style: chr20-31820524-A-G. GRCh37 (hg19) VCF-style: chr20-30408327-A-G.
Other names: short protein forms S151G.
Identifiers: ClinVar variation 4115084 (VCV004115084.1).